The following is an entry in ClinVar:

NM_000271.5(NPC1):c.1672G>T (p.Ala558Ser)

Gene: NPC1 (NPC intracellular cholesterol transporter 1; minus strand). Cytogenetic location: 18q11.2.
Variant type: single nucleotide variant.
Coding change: c.1672G>T on transcript NM_000271.5 (MANE Select); coding-DNA position 1672, G replaced by T.
Protein change: p.Ala558Ser; replaces alanine 558 with serine.
Molecular consequence: missense variant.
Genome position (GRCh38, 1-based): chr18:23,548,091, C>A on the plus strand (G>T on the coding strand, the complement: NPC1 is on the minus strand). VCF-style: chr18-23548091-C-A. GRCh37 (hg19) VCF-style: chr18-21128055-C-A.
Other names: short protein forms A558S.
Identifiers: ClinVar variation 891970 (VCV000891970.8), dbSNP rs201156397, ClinGen allele CA297062945.

ClinVar aggregate classification (germline): Conflicting classifications of pathogenicity. Review status: criteria provided, conflicting classifications (1 of 4 stars). 2 submissions from 2 submitters: Likely pathogenic (1); Uncertain significance (1). Last evaluated 2024-09-16.

Conditions:
Niemann-Pick disease, type C1. Also called: NEUROVISCERAL STORAGE DISEASE WITH VERTICAL SUPRANUCLEAR OPHTHALMOPLEGIA; NIEMANN-PICK DISEASE WITH CHOLESTEROL ESTERIFICATION BLOCK; NIEMANN-PICK DISEASE WITHOUT SPHINGOMYELINASE DEFICIENCY; NIEMANN-PICK DISEASE, CHRONIC NEURONOPATHIC FORM; NIEMANN-PICK DISEASE, VARIANT TYPE C1. Identifiers: Orphanet 646, MedGen C3179455, MONDO:0009757, OMIM 257220.

Allele frequency attached by ClinVar (database versions not stated): TOPMed 0.00001; gnomAD 0.00003.
gnomAD v4.1: 11 of 1,608,454 alleles (0.00068%); highest among the groups gnomAD compares: Non-Finnish European, 0.00094%; no homozygotes.

Submissions (2):

Labcorp Genetics (formerly Invitae), Labcorp
Classification: Likely pathogenic for Niemann-Pick disease, type C1. Last evaluated: 2024-09-16. Review status: criteria provided, single submitter. Criteria: Invitae Variant Classification Sherloc (09022015). Collection method: clinical testing. Allele origin: germline.
Comment: This sequence change replaces alanine, which is neutral and non-polar, with serine, which is neutral and polar, at codon 558 of the NPC1 protein (p.Ala558Ser). This variant is present in population databases (rs201156397, gnomAD 0.007%). This missense change has been observed in individual(s) with clinical features of Niemann-Pick disease type C (PMID: 24386122). ClinVar contains an entry for this variant (Variation ID: 891970). Invitae Evidence Modeling of protein sequence and biophysical properties (such as structural, functional, and spatial information, amino acid conservation, physicochemical variation, residue mobility, and thermodynamic stability) indicates that this missense variant is expected to disrupt NPC1 protein function with a positive predictive value of 95%. This variant disrupts the p.Ala558 amino acid residue in NPC1. Other variant(s) that disrupt this residue have been determined to be pathogenic (PMID: 22269206, 23427322). This suggests that this residue is clinically significant, and that variants that disrupt this residue are likely to be disease-causing. In summary, the currently available evidence indicates that the variant is pathogenic, but additional data are needed to prove that conclusively. Therefore, this variant has been classified as Likely Pathogenic.

Illumina Laboratory Services, Illumina
Classification: Uncertain significance for Niemann-Pick disease type C1. Last evaluated: 2017-09-14. Review status: criteria provided, single submitter. Criteria: ICSL Variant Classification Criteria 13 December 2019. Collection method: clinical testing. Allele origin: germline.
Comment: This variant was observed as part of a predisposition screen in an ostensibly healthy population. A literature search was performed for the gene, cDNA change, and amino acid change (where applicable). Publications were found based on this search. However, the evidence from the literature, in combination with allele frequency data from public databases where available, was not sufficient to rule this variant in or out of causing disease. Therefore, this variant is classified as a variant of unknown significance.

Literature cited by the submitters: PubMed 24386122 (cited by Labcorp Genetics (formerly Invitae), Labcorp and Illumina Laboratory Services, Illumina); PubMed 22269206 (cited by Labcorp Genetics (formerly Invitae), Labcorp and Illumina Laboratory Services, Illumina); PubMed 23427322 (cited by Labcorp Genetics (formerly Invitae), Labcorp and Illumina Laboratory Services, Illumina).